The following is an entry in ClinVar:

NM_000435.3(NOTCH3):c.1871G>A (p.Cys624Tyr)

Gene: NOTCH3 (notch receptor 3; minus strand). Cytogenetic location: 19p13.12.
Variant type: single nucleotide variant.
Coding change: c.1871G>A on transcript NM_000435.3 (MANE Select); coding-DNA position 1871, G replaced by A.
Protein change: p.Cys624Tyr; replaces cysteine 624 with tyrosine.
Molecular consequence: missense variant.
Genome position (GRCh38, 1-based): chr19:15,186,958, C>T on the plus strand (G>A on the coding strand, the complement: NOTCH3 is on the minus strand). VCF-style: chr19-15186958-C-T. GRCh37 (hg19) VCF-style: chr19-15297769-C-T.
Other names: c.1871G>A (NM_000435.2); short protein forms C624Y.
Identifiers: ClinVar variation 591197 (VCV000591197.5), dbSNP rs758997426, ClinGen allele CA404524307.

ClinVar aggregate classification (germline): Conflicting classifications of pathogenicity. Review status: criteria provided, conflicting classifications (1 of 4 stars). 4 submissions from 4 submitters: Pathogenic (1); Likely pathogenic (1); Uncertain significance (1). 1 of the submissions does not count toward it. Last evaluated 2024-09-23.

Conditions:
Cerebral arteriopathy, autosomal dominant, with subcortical infarcts and leukoencephalopathy, type 1 (CADASIL1). Also called: CADASIL 1; CASIL; Cerebral arteriopathy with subcortical infarcts and leukoencephalopathy 1; DEMENTIA, HEREDITARY MULTIINFARCT TYPE. Identifiers: Orphanet 136, MedGen C4551768, MONDO:0000914, OMIM 125310.

Submissions (4):

GeneDx
Classification: Uncertain significance. Last evaluated: 2024-09-23. Review status: criteria provided, single submitter. Criteria: GeneDx Variant Classification Process June 2021. Collection method: clinical testing. Allele origin: germline. Affected: yes.
Comment: Not observed at significant frequency in large population cohorts (gnomAD); In silico analysis supports that this missense variant has a deleterious effect on protein structure/function; Has not been previously published as pathogenic or benign to our knowledge; This variant is associated with the following publications: (PMID: 24844136)

3billion
Classification: Likely pathogenic for Cerebral arteriopathy, autosomal dominant, with subcortical infarcts and leukoencephalopathy, type 1. Last evaluated: 2024-03-04. Review status: criteria provided, single submitter. Criteria: ACMG Guidelines, 2015. Collection method: clinical testing. Allele origin: germline. Affected: yes.
Comment: The variant is not observed in the gnomAD v2.1.1 dataset. Predicted Consequence/Location: Missense changes are a common disease-causing mechanism. In silico tool predictions suggest damaging effect of the variant on gene or gene product [REVEL: 0.83 (>=0.6, sensitivity 0.68 and specificity 0.92)]. Same nucleotide change resulting in same amino acid change has been previously reported as pathogenic/likely pathogenic with strong evidence (ClinVar ID: VCV000591197). Therefore, this variant is classified as Likely pathogenic according to the recommendation of ACMG/AMP guideline.

Athena Diagnostics
Classification: Pathogenic. Last evaluated: 2022-06-23. Review status: criteria provided, single submitter. Criteria: Athena Diagnostics Criteria. Collection method: clinical testing. Allele origin: unknown.
Comment: This variant has been identified in at least one individual with clinical features associated with CADASIL. This variant has not been reported in large, multi-ethnic general populations. This variant alters a critical location within the protein, and is expected to severely affect function and cause disease. Greater than 90% of pathogenic variants identified in NOTCH3 involve the gain or loss of a cysteine residue within the epidermal growth factor (EGF)-like repeat domain.

Gharavi Laboratory, Columbia University
Classification: Uncertain significance. Last evaluated: 2018-09-16. Review status: no assertion criteria provided. Criteria: ACMG Guidelines, 2015. Collection method: research. Allele origin: germline. Affected: yes. Not counted in ClinVar's aggregate classification.